The following is an entry in ClinVar:

NM_152703.5(SAMD9L):c.2290T>G (p.Cys764Gly)

Gene: SAMD9L (sterile alpha motif domain containing 9 like; minus strand). Cytogenetic location: 7q21.2.
Variant type: single nucleotide variant.
Coding change: c.2290T>G on transcript NM_152703.5 (MANE Select); coding-DNA position 2290, T replaced by G.
Protein change: p.Cys764Gly; replaces cysteine 764 with glycine.
Molecular consequence: missense variant.
Genome position (GRCh38, 1-based): chr7:93,133,682, A>C on the plus strand (T>G on the coding strand, the complement: SAMD9L is on the minus strand). VCF-style: chr7-93133682-A-C. GRCh37 (hg19) VCF-style: chr7-92762995-A-C.
Other names: c.2290T>G, p.Cys764Gly (NM_001303496.3, NM_001303497.3, NM_001303498.3 and 5 more transcripts); short protein forms C764G.
Identifiers: ClinVar variation 3792280 (VCV003792280.1).
Genomic context (GRCh38, chr7:93,133,682, plus strand): 5'-GATTGATCACTTGCTCTGCAATTTCTGCAAAATCAGTTGTCTTGTTTTTTAACACAGCAC[A>C]TCTGAAGTTTTTCTTTAAGTCCCAGAGAACATGCATAGCCAGTGTGGTACCTCCACAGCC-3'
Protein context (NP_689916.2, residues 754-774): VLWDLKKNFR[Cys764Gly]AVLKNKTTDF

ClinVar aggregate classification (germline): Uncertain significance (1 of 4 stars; one submission).

Conditions:
Inborn genetic diseases. Identifiers: MedGen C0950123, MeSH D030342.

Submission:

Ambry Genetics
Classification: Uncertain significance for Inborn genetic diseases. Last evaluated: 2025-01-06. Review status: criteria provided, single submitter. Criteria: Ambry Variant Classification Scheme 2023. Collection method: clinical testing. Allele origin: germline.
Comment: The p.C764G variant (also known as c.2290T>G), located in coding exon 1 of the SAMD9L gene, results from a T to G substitution at nucleotide position 2290. The cysteine at codon 764 is replaced by glycine, an amino acid with highly dissimilar properties. This amino acid position is conserved. In addition, this alteration is predicted to be deleterious by in silico analysis. Based on the available evidence, the clinical significance of this variant remains unclear.